The following is an entry in ClinVar:

NM_001429.4(EP300):c.1283-3_1283-2insTT

Gene: EP300 (EP300 lysine acetyltransferase; plus strand). Cytogenetic location: 22q13.2.
Variant type: Insertion.
Coding change: c.1283-3_1283-2insTT on transcript NM_001429.4 (MANE Select); 3 bases into the intron before coding-DNA position 1283 through the canonical splice acceptor site of the intron before coding-DNA position 1283, TT inserted.
Molecular consequence: intron variant.
Genome position: GRCh38 VCF-style: chr22-41131384-C-CTT. GRCh37 (hg19) VCF-style: chr22-41527388-C-CTT.
Other names: c.1283-3_1283-2insTT (NM_001362843.2).
Identifiers: ClinVar variation 3353615 (VCV003353615.2).

ClinVar aggregate classification (germline): Likely benign. Review status: criteria provided, single submitter (1 of 4 stars). 2 submissions from 2 submitters: Likely benign (1). 1 of the submissions does not count toward it. Last evaluated 2021-12-29.

Conditions:
EP300-related disorder. Also called: EP300-related disorders; EP300-related condition.

Submissions (2):

Blueprint Genetics
Classification: Likely benign. Last evaluated: 2021-12-29. Review status: criteria provided, single submitter. Criteria: ACMG Guidelines, 2015. Collection method: clinical testing. Allele origin: germline.

PreventionGenetics, part of Exact Sciences
Classification: Likely benign for EP300-related condition. Last evaluated: 2024-09-01. Review status: no assertion criteria provided. Collection method: clinical testing. Allele origin: germline. Not counted in ClinVar's aggregate classification.
Comment: This variant is classified as likely benign based on ACMG/AMP sequence variant interpretation guidelines (Richards et al. 2015 PMID: 25741868, with internal and published modifications).